The following is an entry in ClinVar:

NM_004963.4(GUCY2C):c.1708C>T (p.Arg570Trp)

Gene: GUCY2C (guanylate cyclase 2C; minus strand). Cytogenetic location: 12p12.3.
Variant type: single nucleotide variant.
Coding change: c.1708C>T on transcript NM_004963.4 (MANE Select); coding-DNA position 1708, C replaced by T.
Protein change: p.Arg570Trp; replaces arginine 570 with tryptophan.
Molecular consequence: missense variant.
Genome position (GRCh38, 1-based): chr12:14,651,409, G>A on the plus strand (C>T on the coding strand, the complement: GUCY2C is on the minus strand). VCF-style: chr12-14651409-G-A. GRCh37 (hg19) VCF-style: chr12-14804343-G-A.
Other names: short protein forms R570W.
Identifiers: ClinVar variation 1431863 (VCV001431863.6), dbSNP rs374824067, ClinGen allele CA6463320.

ClinVar aggregate classification (germline): Uncertain significance (1 of 4 stars; one submission).

Allele frequency attached by ClinVar (database versions not stated): ExAC 0.00002; gnomAD 0.00002; gnomAD exomes 0.00002; TOPMed 0.00002; ESP Exome Variant Server 0.00008.
gnomAD v4.1: 46 of 1,452,968 alleles (0.0032%); highest among the groups gnomAD compares: Non-Finnish European, 0.0041%; no homozygotes.

Submission:

Labcorp Genetics (formerly Invitae), Labcorp
Classification: Uncertain significance. Last evaluated: 2024-08-14. Review status: criteria provided, single submitter. Criteria: Invitae Variant Classification Sherloc (09022015). Collection method: clinical testing. Allele origin: germline.
Comment: This sequence change replaces arginine, which is basic and polar, with tryptophan, which is neutral and slightly polar, at codon 570 of the GUCY2C protein (p.Arg570Trp). This variant is present in population databases (rs374824067, gnomAD 0.004%). This variant has not been reported in the literature in individuals affected with GUCY2C-related conditions. ClinVar contains an entry for this variant (Variation ID: 1431863). An algorithm developed to predict the effect of missense changes on protein structure and function (PolyPhen-2) suggests that this variant is likely to be disruptive. In summary, the available evidence is currently insufficient to determine the role of this variant in disease. Therefore, it has been classified as a Variant of Uncertain Significance.